The following is an entry in ClinVar:

ClinVar aggregate classification (germline): Uncertain significance (1 of 4 stars; one submission).

Conditions:
Hereditary breast ovarian cancer syndrome. Also called: Breast and ovarian cancer; BRCA1- and BRCA2-Associated Hereditary Breast and Ovarian Cancer; Hereditary breast and ovarian cancer; Hereditary breast and ovarian cancer syndrome (HBOC); Hereditary breast and ovarian cancer syndrome; Hereditary breast and/or ovarian cancer syndrome. Identifiers: Orphanet 145, MedGen C0677776, MeSH D061325, MONDO:0003582. Disease mechanism: loss of function.

Submission:

Labcorp Genetics (formerly Invitae), Labcorp
Classification: Uncertain significance for Hereditary breast ovarian cancer syndrome. Last evaluated: 2022-07-29. Review status: criteria provided, single submitter. Criteria: Invitae Variant Classification Sherloc (09022015). Collection method: clinical testing. Allele origin: germline.
Comment: In summary, the available evidence is currently insufficient to determine the role of this variant in disease. Therefore, it has been classified as a Variant of Uncertain Significance. Experimental studies have shown that this missense change affects BRCA1 function (PMID: 19770511, 19770520). Advanced modeling of protein sequence and biophysical properties (such as structural, functional, and spatial information, amino acid conservation, physicochemical variation, residue mobility, and thermodynamic stability) performed at Invitae indicates that this missense variant is not expected to disrupt BRCA1 protein function. This variant has not been reported in the literature in individuals affected with BRCA1-related conditions. This variant is not present in population databases (gnomAD no frequency). This sequence change replaces serine, which is neutral and polar, with alanine, which is neutral and non-polar, at codon 1497 of the BRCA1 protein (p.Ser1497Ala).

Literature cited by the submitters: PubMed 19770511; PubMed 19770520.

NM_007294.4(BRCA1):c.4489T>G (p.Ser1497Ala)

Gene: BRCA1 (BRCA1 DNA repair associated; minus strand). Cytogenetic location: 17q21.31.
Variant type: single nucleotide variant.
Coding change: c.4489T>G on transcript NM_007294.4 (MANE Select); coding-DNA position 4489, T replaced by G.
Protein change: p.Ser1497Ala; replaces serine 1497 with alanine.
Molecular consequence: missense variant. On other transcripts: non-coding transcript variant (1).
Genome position (GRCh38, 1-based): chr17:43,074,517, A>C on the plus strand (T>G on the coding strand, the complement: BRCA1 is on the minus strand). VCF-style: chr17-43074517-A-C. GRCh37 (hg19) VCF-style: chr17-41226534-A-C.
Other names: c.976T>G, p.Ser326Ala (NM_001408476.1, NM_001408475.1); c.967T>G, p.Ser323Ala (NM_001408491.1, NM_001408481.1, NM_001408482.1 and 5 more transcripts); c.964T>G, p.Ser322Ala (NM_001408492.1, NM_001408493.1); c.940T>G, p.Ser314Ala (NM_001408494.1); c.934T>G, p.Ser312Ala (NM_001408495.1); c.916T>G, p.Ser306Ala (NM_001408496.1, NM_001408497.1, NM_001408498.1 and 3 more transcripts); c.913T>G, p.Ser305Ala (NM_001408502.1, NM_001408503.1, NM_001408504.1); c.910T>G, p.Ser304Ala (NM_001408505.1); and 68 more; short protein forms S1201A, S1369A, S1409A, S1426A, S1428A, S1450A, S1469A, S1477A.
Identifiers: ClinVar variation 2020069 (VCV002020069.4), dbSNP rs2154024414, ClinGen allele CA10592550.
Genomic context (GRCh38, chr17:43,074,517, plus strand): 5'-GACTCCCAGAGCAACTGTGCATGTACCACCTATCATCTAATGATGGGCATTTAGAAGGGG[A>C]TGACCTAGAAAGATAAATGGAAGGAGAAAACCATCGCCACCAATTGTGAAAGGACAAATC-3'
Protein context (NP_009225.1, residues 1487-1507): KNKEPGVERS[Ser1497Ala]PSKCPSLDDR